The following is an entry in ClinVar:

ClinVar aggregate classification (germline): Uncertain significance (1 of 4 stars; one submission).

Conditions:
3-methylcrotonyl-CoA carboxylase 2 deficiency. Also called: METHYLCROTONYLGLYCINURIA, TYPE II; 3 alpha methylcrotonyl-CoA carboxylase 2 deficiency; 3 alpha methylcrotonylglycinuria 2; MCC 2 deficiency; Methylcrotonylglycinuria type 2. Identifiers: Orphanet 6, MedGen C1859499, MONDO:0008862, OMIM 210210.

Submission:

Human Genetics Bochum, Ruhr University Bochum
Classification: Uncertain significance for 3-methylcrotonyl-CoA carboxylase 2 deficiency. Last evaluated: 2026-03-10. Review status: criteria provided, single submitter. Criteria: ACMG Guidelines, 2015. Collection method: clinical testing. Allele origin: germline. Affected: yes.
Comment: ACMG criteria used to clasify this variant: PP3_MOD, PM1_SUP, PM2_SUP, PP2

NM_022132.5(MCCC2):c.310G>C (p.Ala104Pro)

Gene: MCCC2 (methylcrotonyl-CoA carboxylase subunit 2; plus strand). Cytogenetic location: 5q13.2.
Variant type: single nucleotide variant.
Coding change: c.310G>C on transcript NM_022132.5 (MANE Select); coding-DNA position 310, G replaced by C.
Protein change: p.Ala104Pro; replaces alanine 104 with proline.
Molecular consequence: missense variant.
Genome position (GRCh38, 1-based): chr5:71,599,687, G>C. VCF-style: chr5-71599687-G-C. GRCh37 (hg19) VCF-style: chr5-70895514-G-C.
Other names: c.310G>C, p.Ala104Pro (NM_001363147.1); short protein forms A104P.
Identifiers: ClinVar variation 4876763 (VCV004876763.1).
Genomic context (GRCh38, chr5:71,599,687, plus strand): 5'-TTAATTCAAACAACATCCTTTCTTCGCTTTAGGTCTCCATTTCTGGAATTATCCCAGTTT[G>C]CAGGTTACCAGTTATATGACAATGAGGAGGTGCCAGGAGGTGGCATTATTACAGGCATTG-3'
Protein context (NP_071415.1, residues 94-114): GSPFLELSQF[Ala104Pro]GYQLYDNEEV